The following is an entry in ClinVar:

ClinVar aggregate classification (germline): Likely pathogenic (1 of 4 stars; one submission).

Conditions:
Ehlers-Danlos syndrome, dermatosparaxis type. Also called: EDS VIIC; Dermatosparaxis; Ehlers-Danlos syndrome, type VII, autosomal recessive. Identifiers: Orphanet 1901, MedGen C2700425, MONDO:0009161, OMIM 225410.

Allele frequency attached by ClinVar (database versions not stated): gnomAD exomes below 0.00001.
gnomAD v4.1: 1 of 1,436,882 alleles (0.00007%); highest among the groups gnomAD compares: Non-Finnish European, 0.000096%; no homozygotes.

Submission:

Labcorp Genetics (formerly Invitae), Labcorp
Classification: Likely pathogenic for Ehlers-Danlos syndrome, dermatosparaxis type. Last evaluated: 2023-06-23. Review status: criteria provided, single submitter. Criteria: Invitae Variant Classification Sherloc (09022015). Collection method: clinical testing. Allele origin: germline.
Comment: This variant is not present in population databases (gnomAD no frequency). In summary, the currently available evidence indicates that the variant is pathogenic, but additional data are needed to prove that conclusively. Therefore, this variant has been classified as Likely Pathogenic. Algorithms developed to predict the effect of sequence changes on RNA splicing suggest that this variant may disrupt the consensus splice site. This variant has not been reported in the literature in individuals affected with ADAMTS2-related conditions. This sequence change affects a donor splice site in intron 4 of the ADAMTS2 gene. It is expected to disrupt RNA splicing. Variants that disrupt the donor or acceptor splice site typically lead to a loss of protein function (PMID: 16199547), and loss-of-function variants in ADAMTS2 are known to be pathogenic (PMID: 10417273).

Literature cited by the submitters: PubMed 16199547; PubMed 10417273.

NM_014244.5(ADAMTS2):c.891+1G>A

Gene: ADAMTS2 (ADAM metallopeptidase with thrombospondin type 1 motif 2; minus strand). Cytogenetic location: 5q35.3.
Variant type: single nucleotide variant.
Coding change: c.891+1G>A on transcript NM_014244.5 (MANE Select); the canonical splice donor site of the intron after coding-DNA position 891, G replaced by A.
Molecular consequence: splice donor variant.
Genome position (GRCh38, 1-based): chr5:179,207,512, C>T on the plus strand (G>A on the coding strand, the complement: ADAMTS2 is on the minus strand). VCF-style: chr5-179207512-C-T. GRCh37 (hg19) VCF-style: chr5-178634513-C-T.
Other names: c.891+1G>A (NM_021599.4).
Identifiers: ClinVar variation 2720366 (VCV002720366.4), dbSNP rs2480414670, ClinGen allele CA362426578.
Genomic context (GRCh38, chr5:179,207,512, plus strand): 5'-CCTGCCCAGCCCCTGGTTGACCCTCCCCGCCCCACCCTGCCCCCTCAGCCACCCCACTCA[C>T]AATGTTCATGAGTGTCAGCAGGTACTTCTGTACGTGCTCCTTCCCGTGGAACTGCACCAC-3'